The following is an entry in ClinVar:

ClinVar aggregate classification (germline): Uncertain significance (1 of 4 stars; one submission).

Allele frequency attached by ClinVar (database versions not stated): ExAC 0.00001; gnomAD 0.00001; gnomAD exomes 0.00001.
gnomAD v4.1: 9 of 1,613,408 alleles (0.00056%); highest among the groups gnomAD compares: South Asian, 0.0077%; no homozygotes.

Submission:

Labcorp Genetics (formerly Invitae), Labcorp
Classification: Uncertain significance. Last evaluated: 2022-02-25. Review status: criteria provided, single submitter. Criteria: Invitae Variant Classification Sherloc (09022015). Collection method: clinical testing. Allele origin: germline.
Comment: This sequence change replaces glycine, which is neutral and non-polar, with glutamic acid, which is acidic and polar, at codon 97 of the MTTP protein (p.Gly97Glu). This variant is present in population databases (rs777178178, gnomAD 0.01%). This variant has not been reported in the literature in individuals affected with MTTP-related conditions. Algorithms developed to predict the effect of missense changes on protein structure and function (SIFT, PolyPhen-2, Align-GVGD) all suggest that this variant is likely to be tolerated. In summary, the available evidence is currently insufficient to determine the role of this variant in disease. Therefore, it has been classified as a Variant of Uncertain Significance.

NM_001386140.1(MTTP):c.290G>A (p.Gly97Glu)

Gene: MTTP (microsomal triglyceride transfer protein; plus strand). Cytogenetic location: 4q23.
Variant type: single nucleotide variant.
Coding change: c.290G>A on transcript NM_001386140.1 (MANE Select); coding-DNA position 290, G replaced by A.
Protein change: p.Gly97Glu; replaces glycine 97 with glutamic acid.
Molecular consequence: missense variant.
Genome position (GRCh38, 1-based): chr4:99,583,414, G>A. VCF-style: chr4-99583414-G-A. GRCh37 (hg19) VCF-style: chr4-100504571-G-A.
Other names: c.290G>A, p.Gly97Glu (NM_000253.4); c.41G>A, p.Gly14Glu (NM_001300785.2); short protein forms G14E, G97E.
Identifiers: ClinVar variation 2103502 (VCV002103502.1), dbSNP rs777178178, ClinGen allele CA3021797.